The following is an entry in ClinVar:

NM_032043.3(BRIP1):c.1453G>A (p.Ala485Thr)

Gene: BRIP1 (BRCA1 interacting DNA helicase 1; minus strand). Cytogenetic location: 17q23.2.
Variant type: single nucleotide variant.
Coding change: c.1453G>A on transcript NM_032043.3 (MANE Select); coding-DNA position 1453, G replaced by A.
Protein change: p.Ala485Thr; replaces alanine 485 with threonine.
Molecular consequence: missense variant.
Genome position (GRCh38, 1-based): chr17:61,793,617, C>T on the plus strand (G>A on the coding strand, the complement: BRIP1 is on the minus strand). VCF-style: chr17-61793617-C-T. GRCh37 (hg19) VCF-style: chr17-59870978-C-T.
Other names: short protein forms A485T.
Identifiers: ClinVar variation 963237 (VCV000963237.10), dbSNP rs2077853006, ClinGen allele CA400482074.

ClinVar aggregate classification (germline): Uncertain significance (1 of 4 stars; one submission).

Conditions:
Familial cancer of breast. Also called: Hereditary breast cancer; BREAST CANCER, FAMILIAL; hereditary breast carcinoma. Identifiers: Orphanet 227535, MedGen C0346153, MONDO:0016419, OMIM 114480. Disease mechanism: loss of function.
Fanconi anemia complementation group J. Also called: BRIP1-Related Fanconi Anemia. Identifiers: Orphanet 84, MedGen C1836860, MONDO:0012187, OMIM 609054.

Submission:

Labcorp Genetics (formerly Invitae), Labcorp
Classification: Uncertain significance for Familial cancer of breast; Fanconi anemia complementation group J. Last evaluated: 2019-07-28. Review status: criteria provided, single submitter. Criteria: Invitae Variant Classification Sherloc (09022015). Collection method: clinical testing. Allele origin: germline.
Comment: In summary, the available evidence is currently insufficient to determine the role of this variant in disease. Therefore, it has been classified as a Variant of Uncertain Significance. Algorithms developed to predict the effect of missense changes on protein structure and function (SIFT, PolyPhen-2, Align-GVGD) all suggest that this variant is likely to be tolerated, but these predictions have not been confirmed by published functional studies and their clinical significance is uncertain. This variant has not been reported in the literature in individuals with BRIP1-related conditions. This variant is not present in population databases (ExAC no frequency). This sequence change replaces alanine with threonine at codon 485 of the BRIP1 protein (p.Ala485Thr). The alanine residue is moderately conserved and there is a small physicochemical difference between alanine and threonine.